The following is an entry in ClinVar:

NM_015272.5(RPGRIP1L):c.455A>G (p.Asn152Ser)

Gene: RPGRIP1L (RPGRIP1 like; minus strand). Cytogenetic location: 16q12.2.
Variant type: single nucleotide variant.
Coding change: c.455A>G on transcript NM_015272.5 (MANE Select); coding-DNA position 455, A replaced by G.
Protein change: p.Asn152Ser; replaces asparagine 152 with serine.
Molecular consequence: missense variant.
Genome position (GRCh38, 1-based): chr16:53,692,140, T>C on the plus strand (A>G on the coding strand, the complement: RPGRIP1L is on the minus strand). VCF-style: chr16-53692140-T-C. GRCh37 (hg19) VCF-style: chr16-53726052-T-C.
Other names: c.455A>G (NM_015272.4); c.455A>G, p.Asn152Ser (NM_001127897.4, NM_001308334.3, NM_001330538.2); short protein forms N152S.
Identifiers: ClinVar variation 1187389 (VCV001187389.5), dbSNP rs1181172841, ClinGen allele CA395924767.

ClinVar aggregate classification (germline): Uncertain significance. Review status: criteria provided, multiple submitters, no conflicts (2 of 4 stars). 4 submissions from 4 submitters: Uncertain significance (4). Last evaluated 2026-08-05.

Conditions:
RPGRIP1L-related disorder. Also called: RPGRIP1L-related disorders; RPGRIP1L-related condition. Identifiers: MedGen CN239416.
Joubert syndrome 7 (JBTS7). Identifiers: Orphanet 220497, MedGen C1969053, MONDO:0012694, OMIM 611560.
COACH syndrome 3. Identifiers: MedGen C5436841, MONDO:0030862, OMIM 619113.
Meckel syndrome, type 5 (MKS5). Identifiers: Orphanet 564, MedGen C1969052, MONDO:0012695, OMIM 611561.
Inborn genetic diseases. Identifiers: MedGen C0950123, MeSH D030342.

Allele frequency attached by ClinVar (database versions not stated): gnomAD exomes below 0.00001 and 0.00003; gnomAD 0.00001; TOPMed 0.00002.
gnomAD v4.1: 41 of 1,613,968 alleles (0.0025%); highest among the groups gnomAD compares: Non-Finnish European, 0.0033%; no homozygotes.

Submissions (4):

PreventionGenetics, part of Exact Sciences
Classification: Uncertain significance for RPGRIP1L-related condition. Last evaluated: 2026-08-05. Review status: criteria provided, single submitter. Criteria: ACMG Guidelines, 2015. Collection method: clinical testing. Allele origin: germline.
Comment: The RPGRIP1L c.455A>G variant is predicted to result in the amino acid substitution p.Asn152Ser. To our knowledge, this variant has not been reported in the literature. This variant is reported in 0.00088% of alleles in individuals of European (Non-Finnish) descent in gnomAD. At this time, the clinical significance of this variant is uncertain due to the absence of conclusive functional and genetic evidence.

Ambry Genetics
Classification: Uncertain significance for Inborn genetic diseases. Last evaluated: 2025-03-20. Review status: criteria provided, single submitter. Criteria: Ambry Variant Classification Scheme 2023. Collection method: clinical testing. Allele origin: germline.

Fulgent Genetics
Classification: Uncertain significance for Joubert syndrome 7; Meckel syndrome, type 5; COACH syndrome 3. Last evaluated: 2024-04-12. Review status: criteria provided, single submitter. Criteria: ACMG Guidelines, 2015. Collection method: clinical testing. Allele origin: germline.

GeneDx
Classification: Uncertain significance. Last evaluated: 2019-12-02. Review status: criteria provided, single submitter. Criteria: GeneDx Variant Classification Process June 2021. Collection method: clinical testing. Allele origin: germline. Affected: yes.
Comment: Not observed at a significant frequency in large population cohorts (Lek et al., 2016); In silico analysis, which includes protein predictors and evolutionary conservation, supports that this variant does not alter protein structure/function; Has not been previously published as pathogenic or benign to our knowledge